The following is an entry in ClinVar:

ClinVar aggregate classification (germline): Conflicting classifications of pathogenicity. Review status: criteria provided, conflicting classifications (1 of 4 stars). 5 submissions from 5 submitters: Uncertain significance (4); Likely benign (1). Last evaluated 2025-11-03.

Conditions:
Hereditary cancer-predisposing syndrome. Also called: Hereditary Cancer Syndrome; Neoplastic Syndromes, Hereditary; Tumor predisposition; Hereditary neoplastic syndrome. Identifiers: Orphanet 140162, MedGen C0027672, MeSH D009386, MONDO:0015356.
Endometrial carcinoma. Also called: Endometrial carcinoma, somatic. Identifiers: MedGen C0476089, MONDO:0002447, OMIM 608089, HP:0012114.
Hereditary nonpolyposis colorectal neoplasms. Identifiers: MedGen C0009405, MeSH D003123.

Allele frequency attached by ClinVar (database versions not stated): gnomAD exomes below 0.00001.
gnomAD v4.1: 6 of 1,609,636 alleles (0.00037%); highest among the groups gnomAD compares: East Asian, 0.0067%; no homozygotes.

Submissions (5):

Labcorp Genetics (formerly Invitae), Labcorp
Classification: Uncertain significance for Hereditary nonpolyposis colorectal neoplasms. Last evaluated: 2025-11-03. Review status: criteria provided, single submitter. Criteria: Invitae Variant Classification Sherloc (09022015). Collection method: clinical testing. Allele origin: germline.
Comment: This sequence change replaces proline, which is neutral and non-polar, with leucine, which is neutral and non-polar, at codon 38 of the MSH6 protein (p.Pro38Leu). This variant is not present in population databases (gnomAD no frequency). This missense change has been observed in individual(s) with ovarian cancer (PMID: 23047549). ClinVar contains an entry for this variant (Variation ID: 479864). Invitae Evidence Modeling of protein sequence and biophysical properties (such as structural, functional, and spatial information, amino acid conservation, physicochemical variation, residue mobility, and thermodynamic stability) indicates that this missense variant is not expected to disrupt MSH6 protein function with a negative predictive value of 95%. In summary, the available evidence is currently insufficient to determine the role of this variant in disease. Therefore, it has been classified as a Variant of Uncertain Significance.

Ambry Genetics
Classification: Likely benign for Hereditary cancer-predisposing syndrome. Last evaluated: 2025-02-10. Review status: criteria provided, single submitter. Criteria: Ambry Variant Classification Scheme 2023. Collection method: clinical testing. Allele origin: germline.

Baylor Genetics
Classification: Uncertain significance for Endometrial carcinoma. Last evaluated: 2023-12-27. Review status: criteria provided, single submitter. Criteria: ACMG Guidelines, 2015. Collection method: clinical testing. Allele origin: unknown.

Color Diagnostics, LLC DBA Color Health
Classification: Uncertain significance for Hereditary cancer-predisposing syndrome. Last evaluated: 2020-04-07. Review status: criteria provided, single submitter. Criteria: ACMG Guidelines, 2015. Collection method: clinical testing. Allele origin: germline.
Comment: This missense variant replaces proline with leucine at codon 38 of the MSH6 protein. Computational prediction suggests that this variant may not impact protein structure and function (internally defined REVEL score threshold <= 0.5, PMID: 27666373). To our knowledge, functional studies have not been reported for this variant. This variant has not been reported in an individual affected with ovarian cancer (PMID: 23047549). This variant has not been identified in the general population by the Genome Aggregation Database (gnomAD). The available evidence is insufficient to determine the role of this variant in disease conclusively. Therefore, this variant is classified as a Variant of Uncertain Significance.

Women's Health and Genetics/Laboratory Corporation of America, LabCorp
Classification: Uncertain significance. Last evaluated: 2020-03-10. Review status: criteria provided, single submitter. Criteria: LabCorp Variant Classification Summary - May 2015. Collection method: clinical testing. Allele origin: germline.
Comment: Variant summary: MSH6 c.113C>T (p.Pro38Leu) results in a non-conservative amino acid change in the encoded protein sequence. Four of five in-silico tools predict a benign effect of the variant on protein function. The variant was absent in 232580 control chromosomes (gnomAD). The available data on variant occurrences in the general population are insufficient to allow any conclusion about variant significance. c.113C>T has been reported in the literature a patient with ovarian cancer (Pal_2012). This report does not provide unequivocal conclusions about association of the variant with Lynch Syndrome. To our knowledge, no experimental evidence demonstrating an impact on protein function has been reported. Three clinical diagnostic laboratories have submitted clinical-significance assessments for this variant to ClinVar after 2014 without evidence for independent evaluation. All laboratories classified the variant as uncertain significance. Based on the evidence outlined above, the variant was classified as uncertain significance.

Literature cited by the submitters: PubMed 23047549 (cited by Labcorp Genetics (formerly Invitae), Labcorp and Women's Health and Genetics/Laboratory Corporation of America, LabCorp).

NM_000179.3(MSH6):c.113C>T (p.Pro38Leu)

Gene: MSH6 (mutS homolog 6; plus strand). Cytogenetic location: 2p16.3.
Variant type: single nucleotide variant.
Coding change: c.113C>T on transcript NM_000179.3 (MANE Select); coding-DNA position 113, C replaced by T.
Protein change: p.Pro38Leu; replaces proline 38 with leucine.
Molecular consequence: missense variant. On other transcripts: 5 prime UTR variant (1).
Genome position (GRCh38, 1-based): chr2:47,783,346, C>T. VCF-style: chr2-47783346-C-T. GRCh37 (hg19) VCF-style: chr2-48010485-C-T.
Other names: c.113C>T, p.Pro38Leu (NM_001281492.2); c.-624C>T (NM_001281493.2); short protein forms P38L.
Identifiers: ClinVar variation 479864 (VCV000479864.19), dbSNP rs1553408211, ClinGen allele CA346734858.
Genomic context (GRCh38, chr2:47,783,346, plus strand): 5'-GTGATGCCAACAAGGCCTCGGCCAGGGCCTCACGCGAAGGCGGCCGTGCCGCCGCTGCCC[C>T]CGGGGCCTCTCCTTCCCCAGGCGGGGATGCGGCCTGGAGCGAGGCTGGGCCTGGGCCCAG-3'
Protein context (NP_000170.1, residues 28-48): SREGGRAAAA[Pro38Leu]GASPSPGGDA